The following is an entry in ClinVar:

NM_006767.4(LZTR1):c.2407G>A (p.Val803Ile)

Gene: LZTR1 (leucine zipper like post translational regulator 1; plus strand). Cytogenetic location: 22q11.21.
Variant type: single nucleotide variant.
Coding change: c.2407G>A on transcript NM_006767.4 (MANE Select); coding-DNA position 2407, G replaced by A.
Protein change: p.Val803Ile; replaces valine 803 with isoleucine.
Molecular consequence: missense variant.
Genome position (GRCh38, 1-based): chr22:20,997,232, G>A. VCF-style: chr22-20997232-G-A. GRCh37 (hg19) VCF-style: chr22-21351521-G-A.
Other names: short protein forms V803I.
Identifiers: ClinVar variation 3238244 (VCV003238244.2), dbSNP rs1601724079.

ClinVar aggregate classification (germline): Uncertain significance. Review status: criteria provided, multiple submitters, no conflicts (2 of 4 stars). 2 submissions from 2 submitters: Uncertain significance (2). Last evaluated 2025-05-21.

Conditions:
Hereditary cancer-predisposing syndrome. Also called: Neoplastic Syndromes, Hereditary; Tumor predisposition; Hereditary neoplastic syndrome; Hereditary Cancer Syndrome. Identifiers: Orphanet 140162, MedGen C0027672, MeSH D009386, MONDO:0015356.
Cardiovascular phenotype. Identifiers: MedGen CN230736.

Submissions (2):

Labcorp Genetics (formerly Invitae), Labcorp
Classification: Uncertain significance. Last evaluated: 2025-05-21. Review status: criteria provided, single submitter. Criteria: Invitae Variant Classification Sherloc (09022015). Collection method: clinical testing. Allele origin: germline.
Comment: This sequence change replaces valine, which is neutral and non-polar, with isoleucine, which is neutral and non-polar, at codon 803 of the LZTR1 protein (p.Val803Ile). This variant is not present in population databases (gnomAD no frequency). This variant has not been reported in the literature in individuals affected with LZTR1-related conditions. ClinVar contains an entry for this variant (Variation ID: 3238244). An algorithm developed to predict the effect of missense changes on protein structure and function (PolyPhen-2) suggests that this variant is likely to be tolerated. In summary, the available evidence is currently insufficient to determine the role of this variant in disease. Therefore, it has been classified as a Variant of Uncertain Significance.

Ambry Genetics
Classification: Uncertain significance for Cardiovascular phenotype; Hereditary cancer-predisposing syndrome. Last evaluated: 2023-07-24. Review status: criteria provided, single submitter. Criteria: Ambry Variant Classification Scheme 2023. Collection method: clinical testing. Allele origin: germline.
Comment: The p.V803I variant (also known as c.2407G>A) is located in coding exon 21 of the LZTR1 gene. The valine at codon 803 is replaced by isoleucine, an amino acid with highly similar properties. This change occurs in the first base pair of coding exon 21. This amino acid position is conserved. In addition, this alteration is predicted to be tolerated by in silico analysis. Since supporting evidence is limited at this time, the clinical significance of this alteration remains unclear.